The following is an entry in ClinVar:

NM_170784.3(MKKS):c.1351dup (p.Cys451fs)

Gene: MKKS (MKKS centrosomal shuttling protein; minus strand). Cytogenetic location: 20p12.2.
Variant type: Duplication.
Coding change: c.1351dup on transcript NM_170784.3 (MANE Select); coding-DNA position 1351, one base duplicated (T; older notation c.1351dupT).
Protein change: p.Cys451fs; shifts the reading frame from cysteine 451.
Molecular consequence: frameshift variant. On other transcripts: non-coding transcript variant (1).
Genome position (GRCh38, 1-based): chr20:10,405,609, A duplicated on the plus strand (T on the coding strand, the reverse complement: MKKS is on the minus strand); the first of 4 consecutive A bases (chr20:10,405,609-10,405,612); duplicating any one gives the same sequence. VCF-style (leftmost placement, unchanged base first): chr20-10405608-C-CA. GRCh37 (hg19) VCF-style: chr20-10386256-C-CA.
Other names: c.1351dup, p.Cys451fs (NM_018848.3); short protein forms C451fs.
Identifiers: ClinVar variation 2922145 (VCV002922145.3), dbSNP rs2514487000, ClinGen allele CA2740096994.

ClinVar aggregate classification (germline): Pathogenic (1 of 4 stars; one submission).

Conditions:
Bardet-Biedl syndrome (BBS). Identifiers: Orphanet 110, MedGen C0752166, MONDO:0015229.
McKusick-Kaufman syndrome (MKKS). Also called: HYDROMETROCOLPOS SYNDROME; HYDROMETROCOLPOS, POSTAXIAL POLYDACTYLY, AND CONGENITAL HEART MALFORMATION. Identifiers: Orphanet 2473, MedGen C0948368, MONDO:0009367, OMIM 236700.

Submission:

Labcorp Genetics (formerly Invitae), Labcorp
Classification: Pathogenic for McKusick-Kaufman syndrome; Bardet-Biedl syndrome. Last evaluated: 2024-01-11. Review status: criteria provided, single submitter. Criteria: Invitae Variant Classification Sherloc (09022015). Collection method: clinical testing. Allele origin: germline.
Comment: This sequence change creates a premature translational stop signal (p.Cys451Leufs*14) in the MKKS gene. While this is not anticipated to result in nonsense mediated decay, it is expected to disrupt the last 120 amino acid(s) of the MKKS protein. This variant is not present in population databases (gnomAD no frequency). This variant has not been reported in the literature in individuals affected with MKKS-related conditions. Algorithms developed to predict the effect of sequence changes on RNA splicing suggest that this variant may disrupt the consensus splice site. This variant disrupts a region of the MKKS protein in which other variant(s) (p.Ser479*) have been determined to be pathogenic (PMID: 15770229, 33138063). This suggests that this is a clinically significant region of the protein, and that variants that disrupt it are likely to be disease-causing. For these reasons, this variant has been classified as Pathogenic.

Literature cited by the submitters: PubMed 15770229; PubMed 33138063.